The following is an entry in ClinVar:

NM_004380.3(CREBBP):c.5112C>G (p.Val1704=)

Gene: CREBBP (CREB binding lysine acetyltransferase; minus strand). Cytogenetic location: 16p13.3.
Variant type: single nucleotide variant.
Coding change: c.5112C>G on transcript NM_004380.3 (MANE Select); coding-DNA position 5112, C replaced by G.
Protein change: p.Val1704=; no amino-acid change (valine 1704 retained).
Molecular consequence: synonymous variant.
Genome position (GRCh38, 1-based): chr16:3,731,252, G>C on the plus strand (C>G on the coding strand, the complement: CREBBP is on the minus strand). VCF-style: chr16-3731252-G-C. GRCh37 (hg19) VCF-style: chr16-3781253-G-C.
Other names: c.4998C>G, p.Val1666= (NM_001079846.1).
Identifiers: ClinVar variation 3356206 (VCV003356206.1).
Genomic context (GRCh38, chr16:3,731,252, plus strand): 5'-CTCGCACACAGTGCAGTGCCAGCGCGTCTCCACGTGGTGCTTGCACTCGTTGCAGGTGTA[G>C]ACAAAGCGGTCCTGGCCCTGGGTGTGCAGCTCCACCAGCATGCAGAGCGTGGACCACTTG-3'
Protein context (NP_004371.2, residues 1694-1714): ELHTQGQDRF[Val1704=]YTCNECKHHV

ClinVar aggregate classification (germline): Likely benign (0 of 4 stars; one submission).

Conditions:
CREBBP-related disorder. Also called: CREBBP-related condition; CREBBP-related disorders.

gnomAD v4.1: 1 of 1,614,210 alleles (0.000062%); highest among the groups gnomAD compares: South Asian, 0.0011%; no homozygotes.

Submission:

PreventionGenetics, part of Exact Sciences
Classification: Likely benign for CREBBP-related condition. Last evaluated: 2024-05-14. Review status: no assertion criteria provided. Collection method: clinical testing. Allele origin: germline.
Comment: This variant is classified as likely benign based on ACMG/AMP sequence variant interpretation guidelines (Richards et al. 2015 PMID: 25741868, with internal and published modifications).